The following is an entry in ClinVar:

ClinVar aggregate classification (germline): Pathogenic (1 of 4 stars; one submission).

Submission:

GeneDx
Classification: Pathogenic. Last evaluated: 2023-06-29. Review status: criteria provided, single submitter. Criteria: GeneDx Variant Classification Process June 2021. Collection method: clinical testing. Allele origin: germline. Affected: yes.
Comment: Nonsense variant predicted to result in protein truncation or nonsense mediated decay in a gene for which loss of function is a known mechanism of disease; Not observed at significant frequency in large population cohorts (gnomAD); This variant is associated with the following publications: (PMID: 25525159, 24339369, 18350553)

NM_001099857.5(IKBKG):c.256C>T (p.Gln86Ter)

Gene: IKBKG (inhibitor of nuclear factor kappa B kinase regulatory subunit gamma; plus strand). Cytogenetic location: Xq28.
Variant type: single nucleotide variant.
Coding change: c.256C>T on transcript NM_001099857.5 (MANE Select); coding-DNA position 256, C replaced by T.
Protein change: p.Gln86Ter; replaces glutamine 86 with a stop codon.
Molecular consequence: nonsense. On other transcripts: non-coding transcript variant (1).
Genome position (GRCh38, 1-based): chrX:154,556,233, C>T. VCF-style: chrX-154556233-C-T. GRCh37 (hg19) VCF-style: chrX-153784448-C-T.
Other names: c.460C>T, p.Gln154Ter (NM_001099856.6); c.256C>T, p.Gln86Ter (NM_001145255.4, NM_001321396.3, NM_001321397.3 and 5 more transcripts); short protein forms Q154*, Q86*.
Identifiers: ClinVar variation 3340352 (VCV003340352.1).